The following is an entry in ClinVar:

ClinVar aggregate classification (germline): Benign/Likely benign. Review status: criteria provided, multiple submitters, no conflicts (2 of 4 stars). 4 submissions from 4 submitters: Benign (1); Likely benign (3). Last evaluated 2025-09-14.

Conditions:
Familial cancer of breast. Also called: BREAST CANCER, FAMILIAL; Hereditary breast cancer; hereditary breast carcinoma. Identifiers: Orphanet 227535, MedGen C0346153, MONDO:0016419, OMIM 114480. Disease mechanism: loss of function.
Ataxia-telangiectasia syndrome (AT). Also called: Ataxia-telangiectasia, complementation group E; Ataxia-telangiectasia, complementation group D; Ataxia telangiectasia (A-T); LOUIS-BAR SYNDROME; ATAXIA-TELANGIECTASIA, COMPLEMENTATION GROUP A; ATAXIA-TELANGIECTASIA, FRESNO VARIANT. Identifiers: Orphanet 100, MedGen C0004135, MONDO:0008840, OMIM 208900.
Hereditary cancer-predisposing syndrome. Also called: Neoplastic Syndromes, Hereditary; Hereditary Cancer Syndrome; Tumor predisposition; Hereditary neoplastic syndrome. Identifiers: Orphanet 140162, MedGen C0027672, MeSH D009386, MONDO:0015356.

gnomAD v4.1: 1 of 1,613,716 alleles (0.000062%); highest among the groups gnomAD compares: Non-Finnish European, 0.000085%; no homozygotes.

Submissions (4):

Color Diagnostics, LLC DBA Color Health
Classification: Likely benign for Hereditary cancer-predisposing syndrome. Last evaluated: 2025-09-14. Review status: criteria provided, single submitter. Criteria: ACMG Guidelines, 2015. Collection method: clinical testing. Allele origin: germline.

Ambry Genetics
Classification: Likely benign for Hereditary cancer-predisposing syndrome. Last evaluated: 2024-11-02. Review status: criteria provided, single submitter. Criteria: Ambry Variant Classification Scheme 2023. Collection method: clinical testing. Allele origin: germline.

Myriad Genetics, Inc.
Classification: Benign for Familial cancer of breast. Last evaluated: 2024-05-08. Review status: criteria provided, single submitter. Criteria: Myriad Autosomal Dominant, Autosomal Recessive and X-Linked Classification Criteria (2023). Collection method: clinical testing. Allele origin: unknown.
Comment: This variant is considered benign. This variant is a silent/synonymous amino acid change and it is not expected to impact splicing.

Labcorp Genetics (formerly Invitae), Labcorp
Classification: Likely benign for Ataxia-telangiectasia syndrome. Last evaluated: 2023-01-07. Review status: criteria provided, single submitter. Criteria: Invitae Variant Classification Sherloc (09022015). Collection method: clinical testing. Allele origin: germline.

NM_000051.4(ATM):c.2397A>T (p.Ala799=)

Gene: ATM (ATM serine/threonine kinase; plus strand). Cytogenetic location: 11q22.3.
Variant type: single nucleotide variant.
Coding change: c.2397A>T on transcript NM_000051.4 (MANE Select); coding-DNA position 2397, A replaced by T.
Protein change: p.Ala799=; no amino-acid change (alanine 799 retained).
Molecular consequence: synonymous variant.
Genome position (GRCh38, 1-based): chr11:108,259,006, A>T. VCF-style: chr11-108259006-A-T. GRCh37 (hg19) VCF-style: chr11-108129733-A-T.
Other names: c.2397A>T, p.Ala799= (NM_001351834.2).
Identifiers: ClinVar variation 795827 (VCV000795827.11), dbSNP rs1060504279, ClinGen allele CA476672840.